The following is an entry in ClinVar:

ClinVar aggregate classification (germline): Likely pathogenic (1 of 4 stars; one submission).

Conditions:
Osteogenesis imperfecta type I (OI1). Also called: Lobstein disease; OI, TYPE I; OSTEOGENESIS IMPERFECTA TARDA; OSTEOGENESIS IMPERFECTA WITH BLUE SCLERAE; Osteogenesis imperfecta type 1; Classic Non-deforming Osteogenesis Imperfecta with Blue Sclerae. Identifiers: Orphanet 216796, Orphanet 666, MedGen C0023931, MONDO:0008146, OMIM 166200. Disease mechanism: loss of function.

Submission:

Labcorp Genetics (formerly Invitae), Labcorp
Classification: Likely pathogenic for Osteogenesis imperfecta type I. Last evaluated: 2022-07-20. Review status: criteria provided, single submitter. Criteria: Invitae Variant Classification Sherloc (09022015). Collection method: clinical testing. Allele origin: germline.
Comment: In summary, the currently available evidence indicates that the variant is pathogenic, but additional data are needed to prove that conclusively. Therefore, this variant has been classified as Likely Pathogenic. A different variant (c.2778_2786dup) giving rise to the same protein effect has been determined to be pathogenic (Invitae). This suggests that this variant is also likely to be causative of disease. This variant is not present in population databases (gnomAD no frequency). This variant, c.2781_2789dup, results in the insertion of 3 amino acid(s) of the COL1A1 protein (p.Pro928_Pro930dup), but otherwise preserves the integrity of the reading frame.

NM_000088.4(COL1A1):c.2781_2789dup (p.Pro930_Ala931insProGlyPro)

Gene: COL1A1 (collagen type I alpha 1 chain; minus strand). Cytogenetic location: 17q21.33.
Variant type: Duplication.
Coding change: c.2781_2789dup on transcript NM_000088.4 (MANE Select); coding-DNA positions 2781 to 2789, 9 bases duplicated (CCCTGGCCC; older notation c.2781_2789dupCCCTGGCCC).
Protein change: p.Pro930_Ala931insProGlyPro.
Molecular consequence: inframe insertion.
Genome position (GRCh38, 1-based): chr17:50,189,417-50,189,425, GGGCCAGGG duplicated on the plus strand (CCCTGGCCC on the coding strand, the reverse complement: COL1A1 is on the minus strand); duplicating any 9 consecutive bases within chr17:50,189,417-50,189,427 gives the same sequence; the c. name uses the placement nearest the transcript's 3' end. VCF-style (leftmost placement, unchanged base first): chr17-50189416-A-AGGGCCAGGG. GRCh37 (hg19) VCF-style: chr17-48266777-A-AGGGCCAGGG.
Identifiers: ClinVar variation 2018173 (VCV002018173.4), dbSNP rs2509183659, ClinGen allele CA2580094233.
Genomic context (GRCh38, chr17:50,189,416, plus strand): 5'-GAGATCTGAGCTGGCACTTACAGCAGGACCATCAGCACCAGGGGATCCTTTCTCGCCAGC[A>AGGGCCAGGG]GGGCCAGGGGGACCAGGGGGACCAACTTCACCAGGACGTCCAGCAGGGCCAGTCTCACCA-3'